The following is an entry in ClinVar:

NM_153747.2(PIGC):c.584G>A (p.Arg195Gln)

Genes: C1orf105 (chromosome 1 open reading frame 105; plus strand), PIGC (phosphatidylinositol glycan anchor biosynthesis class C; minus strand). Cytogenetic location: 1q24.3.
Variant type: single nucleotide variant.
Coding change: c.584G>A on transcript NM_153747.2 (MANE Select); coding-DNA position 584, G replaced by A.
Protein change: p.Arg195Gln; replaces arginine 195 with glutamine.
Molecular consequence: missense variant. On other transcripts: intron variant (1).
Genome position (GRCh38, 1-based): chr1:172,442,039, C>T on the plus strand (G>A on the coding strand, the complement: PIGC is on the minus strand). VCF-style: chr1-172442039-C-T. GRCh37 (hg19) VCF-style: chr1-172411179-C-T.
Other names: c.584G>A, p.Arg195Gln (NM_002642.4); c.22-3034C>T (NM_139240.4); short protein forms R195Q.
Identifiers: ClinVar variation 2176751 (VCV002176751.2), dbSNP rs779776538, ClinGen allele CA1245949.
Genomic context (GRCh38, chr1:172,442,039, plus strand): 5'-ATGGGCCACAGGGCAAAAATCTGAATGGCAAATGTCACCATGATGAAGGCATGCAGGGAC[C>T]GGGGAAGACGTGATGCCAAGCATACAGAAGCAAAGATGGCCATGTTCAAGGATAGTGTGC-3'
Protein context (NP_714969.1, residues 185-205): ASVCLASRLP[Arg195Gln]SLHAFIMVTF

ClinVar aggregate classification (germline): Uncertain significance (1 of 4 stars; one submission).

Allele frequency attached by ClinVar (database versions not stated): TOPMed below 0.00001; ExAC 0.00001; gnomAD 0.00001; gnomAD exomes 0.00001.
gnomAD v4.1: 11 of 1,613,954 alleles (0.00068%); highest among the groups gnomAD compares: Admixed American, 0.013%; no homozygotes.

Submission:

Labcorp Genetics (formerly Invitae), Labcorp
Classification: Uncertain significance. Last evaluated: 2022-08-02. Review status: criteria provided, single submitter. Criteria: Invitae Variant Classification Sherloc (09022015). Collection method: clinical testing. Allele origin: germline.
Comment: This sequence change replaces arginine, which is basic and polar, with glutamine, which is neutral and polar, at codon 195 of the PIGC protein (p.Arg195Gln). This variant is present in population databases (rs779776538, gnomAD 0.02%). This variant has not been reported in the literature in individuals affected with PIGC-related conditions. Algorithms developed to predict the effect of missense changes on protein structure and function (SIFT, PolyPhen-2, Align-GVGD) all suggest that this variant is likely to be tolerated. Algorithms developed to predict the effect of sequence changes on RNA splicing suggest that this variant may create or strengthen a splice site. In summary, the available evidence is currently insufficient to determine the role of this variant in disease. Therefore, it has been classified as a Variant of Uncertain Significance.